The following is an entry in ClinVar:

NM_000059.4(BRCA2):c.1306A>C (p.Lys436Gln)

Gene: BRCA2 (BRCA2 DNA repair associated; plus strand). Cytogenetic location: 13q13.1.
Variant type: single nucleotide variant.
Coding change: c.1306A>C on transcript NM_000059.4 (MANE Select); coding-DNA position 1306, A replaced by C.
Protein change: p.Lys436Gln; replaces lysine 436 with glutamine.
Molecular consequence: missense variant.
Genome position (GRCh38, 1-based): chr13:32,332,784, A>C. VCF-style: chr13-32332784-A-C. GRCh37 (hg19) VCF-style: chr13-32906921-A-C.
Other names: short protein forms K436Q.
Identifiers: ClinVar variation 1365555 (VCV001365555.9), dbSNP rs2137469924, ClinGen allele CA387762579.

ClinVar aggregate classification (germline): Conflicting classifications of pathogenicity. Review status: criteria provided, conflicting classifications (1 of 4 stars). 3 submissions from 3 submitters: Uncertain significance (2); Likely benign (1). Last evaluated 2023-03-23.

Conditions:
Hereditary cancer-predisposing syndrome. Also called: Neoplastic Syndromes, Hereditary; Tumor predisposition; Hereditary neoplastic syndrome; Hereditary Cancer Syndrome. Identifiers: Orphanet 140162, MedGen C0027672, MeSH D009386, MONDO:0015356.
Hereditary breast ovarian cancer syndrome. Also called: Hereditary breast and ovarian cancer; Hereditary breast and/or ovarian cancer syndrome; BRCA1- and BRCA2-Associated Hereditary Breast and Ovarian Cancer; Hereditary breast and ovarian cancer syndrome; Hereditary breast and ovarian cancer syndrome (HBOC); Breast and ovarian cancer. Identifiers: Orphanet 145, MedGen C0677776, MeSH D061325, MONDO:0003582. Disease mechanism: loss of function.

Submissions (3):

University of Washington Department of Laboratory Medicine, University of Washington
Classification: Likely benign for Hereditary cancer-predisposing syndrome. Last evaluated: 2023-03-23. Review status: criteria provided, single submitter. Criteria: Dines et al. (Genet Med. 2020). Collection method: curation. Allele origin: germline.
Comment: Missense variant in a coldspot region where missense variants are very unlikely to be pathogenic (PMID:31911673).

BRCA2 exon 10 coldspot. Reclassification based on statistical prior probability.

Labcorp Genetics (formerly Invitae), Labcorp
Classification: Uncertain significance for Hereditary breast ovarian cancer syndrome. Last evaluated: 2021-10-28. Review status: criteria provided, single submitter. Criteria: Invitae Variant Classification Sherloc (09022015). Collection method: clinical testing. Allele origin: germline.
Comment: In summary, the available evidence is currently insufficient to determine the role of this variant in disease. Therefore, it has been classified as a Variant of Uncertain Significance. This sequence change replaces lysine, which is basic and polar, with glutamine, which is neutral and polar, at codon 436 of the BRCA2 protein (p.Lys436Gln). This variant is not present in population databases (gnomAD no frequency). This variant has not been reported in the literature in individuals affected with BRCA2-related conditions. Advanced modeling of protein sequence and biophysical properties (such as structural, functional, and spatial information, amino acid conservation, physicochemical variation, residue mobility, and thermodynamic stability) performed at Invitae indicates that this missense variant is not expected to disrupt BRCA2 protein function.

Ambry Genetics
Classification: Uncertain significance for Hereditary cancer-predisposing syndrome. Last evaluated: 2020-06-15. Review status: criteria provided, single submitter. Criteria: Ambry Variant Classification Scheme 2023. Collection method: clinical testing. Allele origin: germline.
Comment: The p.K436Q variant (also known as c.1306A>C), located in coding exon 9 of the BRCA2 gene, results from an A to C substitution at nucleotide position 1306. The lysine at codon 436 is replaced by glutamine, an amino acid with similar properties. This amino acid position is highly conserved in available vertebrate species. In addition, this alteration is predicted to be tolerated by in silico analysis. Since supporting evidence is limited at this time, the clinical significance of this alteration remains unclear.